The following is an entry in ClinVar:

NM_001267550.2(TTN):c.77052C>T (p.Gly25684=)

Genes: TTN (titin; minus strand), TTN-AS1 (TTN antisense RNA 1; plus strand). Cytogenetic location: 2q31.2.
Variant type: single nucleotide variant.
Coding change: c.77052C>T on transcript NM_001267550.2 (MANE Select); coding-DNA position 77052, C replaced by T.
Protein change: p.Gly25684=; no amino-acid change (glycine 25684 retained).
Molecular consequence: synonymous variant.
Genome position (GRCh38, 1-based): chr2:178,569,080, G>A on the plus strand (C>T on the coding strand, the complement: TTN is on the minus strand). VCF-style: chr2-178569080-G-A. GRCh37 (hg19) VCF-style: chr2-179433807-G-A.
Other names: c.72129C>T, p.Gly24043= (NM_001256850.1); c.49857C>T, p.Gly16619= (NM_003319.4); c.69348C>T, p.Gly23116= (NM_133378.4); c.50232C>T, p.Gly16744= (NM_133432.3); c.50433C>T, p.Gly16811= (NM_133437.4).
Identifiers: ClinVar variation 167768 (VCV000167768.48), dbSNP rs372543652, ClinGen allele CA235063.

ClinVar aggregate classification (germline): Conflicting classifications of pathogenicity. Review status: criteria provided, conflicting classifications (1 of 4 stars). 14 submissions from 14 submitters: Uncertain significance (2); Benign (1); Likely benign (7). 4 of the submissions do not count toward it. Last evaluated 2026-01-15.

Conditions:
Cardiovascular phenotype. Identifiers: MedGen CN230736.
TTN-related disorder. Also called: TTN-related disorders; TTN-related condition; TTN-related disease.
Dilated cardiomyopathy 1G (CMD1G). Identifiers: Orphanet 154, MedGen C1858763, MONDO:0011400, OMIM 604145.
Autosomal recessive limb-girdle muscular dystrophy type 2J (LGMDR10). Also called: Limb-girdle muscular dystrophy, type 2J; MUSCULAR DYSTROPHY, LIMB-GIRDLE, AUTOSOMAL RECESSIVE 10. Identifiers: Orphanet 140922, MedGen C1837342, MONDO:0012127, OMIM 608807.
Cardiomyopathy (CMYO). Also called: Cardiomyopathies. Identifiers: Orphanet 167848, MedGen C0878544, MONDO:0004994, HP:0001638. Inheritance: Various modes of inheritance.

Allele frequency attached by ClinVar (database versions not stated): ExAC 0.00004; gnomAD exomes 0.00006 and 0.00010; ESP Exome Variant Server 0.00008; TOPMed 0.00009; gnomAD 0.00012.
gnomAD v4.1: 168 of 1,613,256 alleles (0.01%); highest among the groups gnomAD compares: Non-Finnish European, 0.013%; no homozygotes.

Submissions (14):

Labcorp Genetics (formerly Invitae), Labcorp
Classification: Likely benign for Dilated cardiomyopathy 1G; Autosomal recessive limb-girdle muscular dystrophy type 2J. Last evaluated: 2026-01-15. Review status: criteria provided, single submitter. Criteria: Invitae Variant Classification Sherloc (09022015). Collection method: clinical testing. Allele origin: germline.

PreventionGenetics, part of Exact Sciences
Classification: Likely benign for TTN-related condition. Last evaluated: 2025-10-02. Review status: criteria provided, single submitter. Criteria: ACMG Guidelines, 2015. Collection method: clinical testing. Allele origin: germline.
Comment: This variant is classified as likely benign based on ACMG/AMP sequence variant interpretation guidelines (Richards et al. 2015 PMID: 25741868, with internal and published modifications).

CeGaT Center for Human Genetics Tuebingen
Classification: Likely benign. Last evaluated: 2025-09-01. Review status: criteria provided, single submitter. Criteria: CeGaT Center For Human Genetics Tuebingen Variant Classification Criteria Version 2. Collection method: clinical testing. Allele origin: germline. Affected: yes. Observed: 1 variant allele.
Comment: TTN: BP4, BP7

Blueprint Genetics
Classification: Likely benign. Last evaluated: 2024-11-05. Review status: criteria provided, single submitter. Criteria: ACMG Guidelines, 2015. Collection method: clinical testing. Allele origin: germline.

Ambry Genetics
Classification: Likely benign for Cardiovascular phenotype. Last evaluated: 2021-05-08. Review status: criteria provided, single submitter. Criteria: Ambry Variant Classification Scheme 2023. Collection method: clinical testing. Allele origin: germline.

Women's Health and Genetics/Laboratory Corporation of America, LabCorp
Classification: Likely benign. Last evaluated: 2020-08-16. Review status: criteria provided, single submitter. Criteria: LabCorp Variant Classification Summary - May 2015. Collection method: clinical testing. Allele origin: germline.

CHEO Genetics Diagnostic Laboratory, Children's Hospital of Eastern Ontario
Classification: Likely benign for Cardiomyopathy. Last evaluated: 2020-07-07. Review status: criteria provided, single submitter. Criteria: ACMG Guidelines, 2015. Collection method: clinical testing. Allele origin: germline.

Revvity Omics, Revvity
Classification: Uncertain significance. Last evaluated: 2019-05-17. Review status: criteria provided, single submitter. Criteria: ACMG Guidelines, 2015. Collection method: clinical testing. Allele origin: germline.

GeneDx
Classification: Benign. Last evaluated: 2016-04-20. Review status: criteria provided, single submitter. Criteria: GeneDx Variant Classification (06012015). Collection method: clinical testing. Allele origin: germline. Affected: yes.
Comment: This variant is considered likely benign or benign based on one or more of the following criteria: it is a conservative change, it occurs at a poorly conserved position in the protein, it is predicted to be benign by multiple in silico algorithms, and/or has population frequency not consistent with disease.

Eurofins Ntd Llc (ga)
Classification: Uncertain significance. Last evaluated: 2014-04-23. Review status: criteria provided, single submitter. Criteria: EGL Classification Definitions 2015. Collection method: clinical testing. Allele origin: germline. Observed: 2 variant alleles, 2 heterozygotes.

Clinical Genetics DNA and cytogenetics Diagnostics Lab, Erasmus MC, Erasmus Medical Center
Classification: Likely benign. Review status: no assertion criteria provided. Collection method: clinical testing. Allele origin: germline. Affected: yes. Study: VKGL Data-share Consensus. Not counted in ClinVar's aggregate classification.

Clinical Genetics, Academic Medical Center
Classification: Benign. Review status: no assertion criteria provided. Collection method: clinical testing. Allele origin: germline. Affected: yes. Study: VKGL Data-share Consensus. Not counted in ClinVar's aggregate classification.

Diagnostic Laboratory, Department of Genetics, University Medical Center Groningen
Classification: Likely benign. Review status: no assertion criteria provided. Collection method: clinical testing. Allele origin: germline. Affected: yes. Study: VKGL Data-share Consensus. Not counted in ClinVar's aggregate classification.

Genome Diagnostics Laboratory, University Medical Center Utrecht
Classification: Likely benign. Review status: no assertion criteria provided. Collection method: clinical testing. Allele origin: germline. Affected: yes. Study: VKGL Data-share Consensus. Not counted in ClinVar's aggregate classification.